The following is an entry in ClinVar:

ClinVar aggregate classification (germline): Benign. Review status: criteria provided, multiple submitters, no conflicts (2 of 4 stars). 16 submissions from 13 submitters: Benign (12). 4 of the submissions do not count toward it. Last evaluated 2026-02-03.

Conditions:
Arthrogryposis multiplex congenita 3, myogenic type. Also called: ARTHROGRYPOSIS MULTIPLEX CONGENITA, MYOGENIC TYPE. Identifiers: MedGen C5193121, MONDO:0032778, OMIM 618484.
Emery-Dreifuss muscular dystrophy 4, autosomal dominant (EDMD4). Also called: EMERY-DREIFUSS MUSCULAR DYSTROPHY 4 WITH VARIABLE FEATURES. Identifiers: Orphanet 261, MedGen C2751807, MONDO:0013071, OMIM 612998.
Autosomal recessive ataxia, Beauce type. Also called: SYNE1 Deficiency; Spinocerebellar ataxia, autosomal recessive 8; ATAXIA, RECESSIVE, OF BEAUCE; SYNE1-Related Autosomal Recessive Cerebellar Ataxia. Identifiers: Orphanet 88644, MedGen C1853116, MONDO:0012549, OMIM 610743.

Allele frequency attached by ClinVar (database versions not stated): gnomAD exomes 0.74849 and 0.74935; ExAC 0.75468; ESP Exome Variant Server 0.78817; 1000 Genomes Project 0.79313; 1000 Genomes Project 30x 0.79575; TOPMed 0.79818; gnomAD 0.79933 and 0.80638.
gnomAD v4.1: 1,214,836 of 1,613,086 alleles (75%); highest among the groups gnomAD compares: African/African-American, 93%; 460,415 homozygotes.

Submissions (16):

Labcorp Genetics (formerly Invitae), Labcorp
Classification: Benign for Emery-Dreifuss muscular dystrophy 4, autosomal dominant; Autosomal recessive ataxia, Beauce type. Last evaluated: 2026-02-03. Review status: criteria provided, single submitter. Criteria: Invitae Variant Classification Sherloc (09022015). Collection method: clinical testing. Allele origin: germline.

Blueprint Genetics
Classification: Benign. Last evaluated: 2024-11-27. Review status: criteria provided, single submitter. Criteria: ACMG Guidelines, 2015. Collection method: clinical testing. Allele origin: germline.

Genome-Nilou Lab
Classification: Benign for Arthrogryposis multiplex congenita 3, myogenic type. Last evaluated: 2021-07-15. Review status: criteria provided, single submitter. Criteria: ACMG Guidelines, 2015. Collection method: clinical testing. Allele origin: germline. Affected: no.

Genome-Nilou Lab
Classification: Benign for Emery-Dreifuss muscular dystrophy 4, autosomal dominant. Last evaluated: 2021-07-15. Review status: criteria provided, single submitter. Criteria: ACMG Guidelines, 2015. Collection method: clinical testing. Allele origin: germline. Affected: no.

Genome-Nilou Lab
Classification: Benign for Autosomal recessive ataxia, Beauce type. Last evaluated: 2021-07-15. Review status: criteria provided, single submitter. Criteria: ACMG Guidelines, 2015. Collection method: clinical testing. Allele origin: germline. Affected: no.

Athena Diagnostics
Classification: Benign. Last evaluated: 2018-11-02. Review status: criteria provided, single submitter. Criteria: Athena Diagnostics Criteria. Collection method: clinical testing. Allele origin: germline.

Illumina Laboratory Services, Illumina
Classification: Benign for Autosomal recessive ataxia, Beauce type. Last evaluated: 2018-01-12. Review status: criteria provided, single submitter. Criteria: ICSL Variant Classification Criteria 13 December 2019. Collection method: clinical testing. Allele origin: germline.
Comment: This variant was observed in the ICSL laboratory as part of a predisposition screen in an ostensibly healthy population. It had not been previously curated by ICSL or reported in the Human Gene Mutation Database (HGMD: prior to June 1st, 2018), and was therefore a candidate for classification through an automated scoring system. Utilizing variant allele frequency, disease prevalence and penetrance estimates, and inheritance mode, an automated score was calculated to assess if this variant is too frequent to cause the disease. Based on the score and internal cut-off values, a variant classified as benign is not then subjected to further curation. The score for this variant resulted in a classification of benign for this disease.

Illumina Laboratory Services, Illumina
Classification: Benign for Emery-Dreifuss muscular dystrophy 4, autosomal dominant. Last evaluated: 2018-01-12. Review status: criteria provided, single submitter. Criteria: ICSL Variant Classification Criteria 13 December 2019. Collection method: clinical testing. Allele origin: germline.
Comment: the same text as in the submission from Illumina Laboratory Services, Illumina above.

Mayo Clinic Laboratories, Mayo Clinic
Classification: Benign. Last evaluated: 2017-07-24. Review status: criteria provided, single submitter. Criteria: ACMG Guidelines, 2015. Collection method: clinical testing. Allele origin: germline. Observed: 1,079 variant alleles.

GeneDx
Classification: Benign. Last evaluated: 2016-01-05. Review status: criteria provided, single submitter. Criteria: GeneDx Variant Classification (06012015). Collection method: clinical testing. Allele origin: germline. Affected: yes.
Comment: This variant is considered likely benign or benign based on one or more of the following criteria: it is a conservative change, it occurs at a poorly conserved position in the protein, it is predicted to be benign by multiple in silico algorithms, and/or has population frequency not consistent with disease.

Eurofins Ntd Llc (ga)
Classification: Benign. Last evaluated: 2015-07-10. Review status: criteria provided, single submitter. Criteria: EGL Classification Definitions 2015. Collection method: clinical testing. Allele origin: germline. Observed: 1 variant allele, 1 homozygote.

PreventionGenetics, part of Exact Sciences
Classification: Benign. Review status: criteria provided, single submitter. Criteria: ACMG Guidelines, 2015. Collection method: clinical testing. Allele origin: germline.

Clinical Genetics DNA and cytogenetics Diagnostics Lab, Erasmus MC, Erasmus Medical Center
Classification: Benign. Review status: no assertion criteria provided. Collection method: clinical testing. Allele origin: germline. Affected: yes. Study: VKGL Data-share Consensus. Not counted in ClinVar's aggregate classification.

Clinical Genetics, Academic Medical Center
Classification: Benign. Review status: no assertion criteria provided. Collection method: clinical testing. Allele origin: germline. Affected: yes. Study: VKGL Data-share Consensus. Not counted in ClinVar's aggregate classification.

Genetic Services Laboratory, University of Chicago
Classification: Likely benign for AllHighlyPenetrant. Review status: no assertion criteria provided. Collection method: clinical testing. Allele origin: germline. Inheritance: Autosomal dominant inheritance. Not counted in ClinVar's aggregate classification.
Comment: Likely benign based on allele frequency in 1000 Genomes Project or ESP global frequency and its presence in a patient with a rare or unrelated disease phenotype. NOT Sanger confirmed.

Joint Genome Diagnostic Labs from Nijmegen and Maastricht, Radboudumc and MUMC+
Classification: Benign. Review status: no assertion criteria provided. Collection method: clinical testing. Allele origin: germline. Affected: yes. Study: VKGL Data-share Consensus. Not counted in ClinVar's aggregate classification.

NM_182961.4(SYNE1):c.12362A>G (p.Lys4121Arg)

Gene: SYNE1 (spectrin repeat containing nuclear envelope protein 1; minus strand). Cytogenetic location: 6q25.2.
Variant type: single nucleotide variant.
Coding change: c.12362A>G on transcript NM_182961.4 (MANE Select); coding-DNA position 12362, A replaced by G.
Protein change: p.Lys4121Arg; replaces lysine 4121 with arginine.
Molecular consequence: missense variant.
Genome position (GRCh38, 1-based): chr6:152,337,007, T>C on the plus strand (A>G on the coding strand, the complement: SYNE1 is on the minus strand). VCF-style: chr6-152337007-T-C. GRCh37 (hg19) VCF-style: chr6-152658142-T-C.
Other names: p.Lys4050Arg; c.12149A>G, p.Lys4050Arg (NM_033071.5); short protein forms K4050R, K4121R.
Identifiers: ClinVar variation 130399 (VCV000130399.32), dbSNP rs9479297, ClinGen allele CA155346.